The following is an entry in ClinVar:

ClinVar aggregate classification (germline): Uncertain significance (1 of 4 stars; one submission).

Conditions:
Fanconi anemia complementation group A (FANCA). Also called: Fanconi anemia, group A; FANCA-Related Fanconi Anemia. Identifiers: Orphanet 84, MedGen C3469521, MONDO:0009215, OMIM 227650.

gnomAD v4.1: 3 of 1,614,158 alleles (0.00019%); highest among the groups gnomAD compares: African/African-American, 0.004%; no homozygotes.

Submission:

St. Jude Molecular Pathology, St. Jude Children's Research Hospital
Classification: Uncertain significance for Fanconi anemia complementation group A. Last evaluated: 2025-06-17. Review status: criteria provided, single submitter. Criteria: St. Jude Assertion Criteria 2020. Collection method: clinical testing. Allele origin: germline.
Comment: The FANCA c.2643G>C p.(Gln881His) missense change has a maximum subpopulation frequency of 0.006% in gnomAD v2.1.1. The in silico tool REVEL is inconclusiv e about a pathogenic or benign effect of this variant on protein function, and to our knowledge functional studies have not been performed. To our knowledge, this variant has not been reported in individuals with Fanconi anemia. In summary, the evidence currently available is insufficient to determine the clinical significance of this variant. It has therefore been classified as of uncertain significance.

NM_000135.4(FANCA):c.2643G>C (p.Gln881His)

Genes: FANCA (FA complementation group A; minus strand), LOC130059837 (ATAC-STARR-seq lymphoblastoid active region 11420; plus strand). Cytogenetic location: 16q24.3.
Variant type: single nucleotide variant.
Coding change: c.2643G>C on transcript NM_000135.4 (MANE Select); coding-DNA position 2643, G replaced by C.
Protein change: p.Gln881His; replaces glutamine 881 with histidine.
Molecular consequence: missense variant.
Genome position (GRCh38, 1-based): chr16:89,765,025, C>G on the plus strand (G>C on the coding strand, the complement: FANCA is on the minus strand). VCF-style: chr16-89765025-C-G. GRCh37 (hg19) VCF-style: chr16-89831433-C-G.
Other names: c.2643G>C, p.Gln881His (NM_001286167.3); short protein forms Q881H.
Identifiers: ClinVar variation 4056126 (VCV004056126.2).
Genomic context (GRCh38, chr16:89,765,025, plus strand): 5'-TGCAGAAGGAAGGTGCAAGGGTCTCCAGGAAAGGCTGGCTACGTCCTCCTCAGAAAGAGG[C>G]TGTCGGGCCTCTGAGAACAATCTGAACATGAGGAACTGAAACTGAAACAGAGAGTGACCC-3'
Protein context (NP_000126.2, residues 871-891): LMFRLFSEAR[Gln881His]PLSEEDVASL